The following is an entry in ClinVar:

ClinVar aggregate classification (germline): Likely pathogenic (1 of 4 stars; one submission).

Conditions:
Hereditary cancer-predisposing syndrome. Also called: Tumor predisposition; Hereditary Cancer Syndrome; Hereditary neoplastic syndrome; Neoplastic Syndromes, Hereditary. Identifiers: Orphanet 140162, MedGen C0027672, MeSH D009386, MONDO:0015356.

Submission:

Ambry Genetics
Classification: Likely pathogenic for Hereditary cancer-predisposing syndrome. Last evaluated: 2024-01-31. Review status: criteria provided, single submitter. Criteria: Ambry Variant Classification Scheme 2023. Collection method: clinical testing. Allele origin: germline.
Comment: The c.7307+3A>T intronic variant results from an A to T substitution 3 nucleotides after coding exon 48 in the ATM gene. This nucleotide position is highly conserved in available vertebrate species. In silico splice site analysis predicts that this alteration will weaken the native splice donor site. RNA studies have demonstrated that this alteration results in abnormal splicing in the set of samples tested (Ambry internal data). Another alteration impacting the same donor site (c.7307+1G>A) has been shown to have a similar impact on splicing (Ambry internal data). Based on the majority of available evidence to date, this variant is likely to be pathogenic.

NM_000051.4(ATM):c.7307+3A>T

Genes: ATM (ATM serine/threonine kinase; plus strand), C11orf65 (chromosome 11 open reading frame 65; minus strand). Cytogenetic location: 11q22.3.
Variant type: single nucleotide variant.
Coding change: c.7307+3A>T on transcript NM_000051.4 (MANE Select); 3 bases into the intron after coding-DNA position 7307, A replaced by T.
Molecular consequence: intron variant.
Genome position (GRCh38, 1-based): chr11:108,329,241, A>T. VCF-style: chr11-108329241-A-T. GRCh37 (hg19) VCF-style: chr11-108199968-A-T.
Other names: c.7307+3A>T (NM_001351834.2); c.641-20170T>A (NM_001330368.2); c.*38+5979T>A (NM_001351110.2).
Identifiers: ClinVar variation 3222818 (VCV003222818.1), dbSNP rs1565527512, ClinGen allele CA2825001951.